The following is an entry in ClinVar:

NM_006231.4(POLE):c.3459+2T>C

Gene: POLE (DNA polymerase epsilon, catalytic subunit; minus strand). Cytogenetic location: 12q24.33.
Variant type: single nucleotide variant.
Coding change: c.3459+2T>C on transcript NM_006231.4 (MANE Select); the canonical splice donor site of the intron after coding-DNA position 3459, T replaced by C.
Molecular consequence: splice donor variant.
Genome position (GRCh38, 1-based): chr12:132,657,347, A>G on the plus strand (T>C on the coding strand, the complement: POLE is on the minus strand). VCF-style: chr12-132657347-A-G. GRCh37 (hg19) VCF-style: chr12-133233933-A-G.
Identifiers: ClinVar variation 372061 (VCV000372061.5), dbSNP rs1057517634, ClinGen allele CA16042129.
Genomic context (GRCh38, chr12:132,657,347, plus strand): 5'-AGACCCTTGTCTAACTGCACAGTTTTTAGCCCCACAGCCCGTGCCACTGACCCCGCCCTT[A>G]CCTGCTGCAGGGCCGCAGGGATGGTGATGATCTTCTGGATGGCGCTTCCCAGCCGCTCAA-3'

ClinVar aggregate classification (germline): Likely pathogenic. Review status: criteria provided, single submitter (1 of 4 stars). 2 submissions from 2 submitters: Likely pathogenic (1). 1 of the submissions does not count toward it. Last evaluated 2024-08-06.

Conditions:
Colorectal cancer, susceptibility to, 12 (CRCS12). Also called: COLORECTAL CANCER, SUSCEPTIBILITY TO, ON CHROMOSOME 12q24. Identifiers: Orphanet 220460, MedGen C3554460, MONDO:0014038, OMIM 615083.

Submissions (2):

Labcorp Genetics (formerly Invitae), Labcorp
Classification: Likely pathogenic. Last evaluated: 2024-08-06. Review status: criteria provided, single submitter. Criteria: Invitae Variant Classification Sherloc (09022015). Collection method: clinical testing. Allele origin: germline.
Comment: This sequence change affects a donor splice site in intron 28 of the POLE gene. It is expected to disrupt RNA splicing. Variants that disrupt the donor or acceptor splice site typically lead to a loss of protein function (PMID: 16199547), and loss-of-function variants in POLE are known to be pathogenic (PMID: 23230001, 25948378, 30503519). This variant is not present in population databases (gnomAD no frequency). This variant has not been reported in the literature in individuals affected with POLE-related conditions. ClinVar contains an entry for this variant (Variation ID: 372061). Algorithms developed to predict the effect of sequence changes on RNA splicing suggest that this variant may disrupt the consensus splice site. In summary, the currently available evidence indicates that the variant is pathogenic, but additional data are needed to prove that conclusively. Therefore, this variant has been classified as Likely Pathogenic.

Counsyl
Classification: Uncertain significance for Colorectal cancer, susceptibility to, 12. Last evaluated: 2016-11-08. Review status: no assertion criteria provided. Collection method: clinical testing. Allele origin: unknown. Not counted in ClinVar's aggregate classification.

Literature cited by the submitters: PubMed 16199547 (cited by Labcorp Genetics (formerly Invitae), Labcorp); PubMed 23230001 (cited by Labcorp Genetics (formerly Invitae), Labcorp); PubMed 25948378 (cited by Labcorp Genetics (formerly Invitae), Labcorp); PubMed 30503519 (cited by Labcorp Genetics (formerly Invitae), Labcorp).